The following is an entry in ClinVar:

NM_000484.4(APP):c.876T>C (p.Ser292=)

Gene: APP (amyloid beta precursor protein; minus strand). Cytogenetic location: 21q21.3.
Variant type: single nucleotide variant.
Coding change: c.876T>C on transcript NM_000484.4 (MANE Select); coding-DNA position 876, T replaced by C.
Protein change: p.Ser292=; no amino-acid change (serine 292 retained).
Molecular consequence: synonymous variant. On other transcripts: intron variant (5).
Genome position (GRCh38, 1-based): chr21:26,000,172, A>G on the plus strand (T>C on the coding strand, the complement: APP is on the minus strand). VCF-style: chr21-26000172-A-G. GRCh37 (hg19) VCF-style: chr21-27372487-A-G.
Other names: c.861T>C, p.Ser287= (NM_001136016.3); c.708T>C, p.Ser236= (NM_001136130.3); c.876T>C, p.Ser292= (NM_001204301.2, NM_001204302.2, NM_201413.3); c.761-17695T>C (NM_001136131.3); c.698-17695T>C (NM_001136129.3); c.866-17695T>C (NM_001204303.2, NM_201414.3); c.866-2756T>C (NM_001385253.1).
Identifiers: ClinVar variation 3571957 (VCV003571957.1).

ClinVar aggregate classification (germline): Uncertain significance (1 of 4 stars; one submission).

gnomAD v4.1: 3 of 1,614,210 alleles (0.00019%); highest among the groups gnomAD compares: Non-Finnish European, 0.00025%; no homozygotes.

Submission:

Athena Diagnostics
Classification: Uncertain significance. Last evaluated: 2024-09-04. Review status: criteria provided, single submitter. Criteria: Athena Diagnostics Criteria. Collection method: clinical testing. Allele origin: unknown.
Comment: Available data are insufficient to determine the clinical significance of the variant at this time. The frequency of this variant in the general population is uninformative in assessment of its pathogenicity. Computational tools yielded predictions that this variant is unlikely to have an effect on normal RNA splicing.